The following is an entry in ClinVar:

NM_205861.3(DHDDS):c.104G>A (p.Gly35Glu)

Gene: DHDDS (dehydrodolichyl diphosphate synthase subunit; plus strand). Cytogenetic location: 1p36.11.
Variant type: single nucleotide variant.
Coding change: c.104G>A on transcript NM_205861.3 (MANE Select); coding-DNA position 104, G replaced by A.
Protein change: p.Gly35Glu; replaces glycine 35 with glutamic acid.
Molecular consequence: missense variant. On other transcripts: 5 prime UTR variant (1).
Genome position (GRCh38, 1-based): chr1:26,438,208, G>A. VCF-style: chr1-26438208-G-A. GRCh37 (hg19) VCF-style: chr1-26764699-G-A.
Other names: c.104G>A, p.Gly35Glu (NM_001243564.2, NM_001243565.2, NM_024887.4); c.-199G>A (NM_001319959.2); short protein forms G35E.
Identifiers: ClinVar variation 985622 (VCV000985622.12), dbSNP rs2075181154, ClinGen allele CA339138643.

ClinVar aggregate classification (germline): Pathogenic/Likely pathogenic. Review status: criteria provided, multiple submitters, no conflicts (2 of 4 stars). 3 submissions from 3 submitters: Pathogenic (2); Likely pathogenic (1). Last evaluated 2025-08-21.

Conditions:
Retinitis pigmentosa 59 (RP59). Identifiers: Orphanet 791, MedGen C3151227, MONDO:0013468, OMIM 613861.
Inborn genetic diseases. Identifiers: MedGen C0950123, MeSH D030342.

Submissions (3):

Labcorp Genetics (formerly Invitae), Labcorp
Classification: Pathogenic for Retinitis pigmentosa 59. Last evaluated: 2025-08-21. Review status: criteria provided, single submitter. Criteria: Invitae Variant Classification Sherloc (09022015). Collection method: clinical testing. Allele origin: germline.
Comment: This sequence change replaces glycine, which is neutral and non-polar, with glutamic acid, which is acidic and polar, at codon 35 of the DHDDS protein (p.Gly35Glu). This variant is not present in population databases (gnomAD no frequency). This missense change has been observed in individual(s) with clinical features of developmental and epileptic encephalopathy (PMID: 34382076; internal data). In at least one individual the variant was observed to be de novo. ClinVar contains an entry for this variant (Variation ID: 985622). Invitae Evidence Modeling of protein sequence and biophysical properties (such as structural, functional, and spatial information, amino acid conservation, physicochemical variation, residue mobility, and thermodynamic stability) indicates that this missense variant is expected to disrupt DHDDS protein function with a positive predictive value of 80%. Experimental studies have shown that this missense change affects DHDDS function (PMID: 34382076). For these reasons, this variant has been classified as Pathogenic.

GeneDx
Classification: Pathogenic. Last evaluated: 2025-04-30. Review status: criteria provided, single submitter. Criteria: GeneDx Variant Classification Process June 2021. Collection method: clinical testing. Allele origin: germline. Affected: yes.
Comment: Published functional studies demonstrate a damaging effect on catalytic activity (PMID: 34382076); Not observed at significant frequency in large population cohorts (gnomAD); In silico analysis supports that this missense variant has a deleterious effect on protein structure/function; This variant is associated with the following publications: (PMID: 34382076)

Ambry Genetics
Classification: Likely pathogenic for Inborn genetic diseases. Last evaluated: 2018-01-26. Review status: criteria provided, single submitter. Criteria: Ambry exome assertion method (8-5-2015). Collection method: clinical testing. Allele origin: germline. Affected: yes. Observed: 1 variant allele.

Literature cited by the submitters: PubMed 34382076 (cited by Labcorp Genetics (formerly Invitae), Labcorp); PubMed 29100083 (cited by Ambry Genetics).